The following is an entry in ClinVar:

ClinVar aggregate classification (germline): Uncertain significance (0 of 4 stars; one submission).

Conditions:
Prostate cancer. Also called: Malignant tumor of prostate. Identifiers: Orphanet 1331, MedGen C0376358, MONDO:0008315, HP:0012125.

Submission:

Science for Life laboratory,  Karolinska Institutet
Classification: Uncertain significance for Malignant tumor of prostate. Review status: no assertion criteria provided. Collection method: not provided. Allele origin: somatic.
Comment: TumorID:SWE-3
ClinVar note: Converted during submission from Unknown to Uncertain significance.

NM_001291415.2(KDM6A):c.453dup (p.Ala152fs)

Gene: KDM6A (lysine demethylase 6A; plus strand). Cytogenetic location: Xp11.3.
Variant type: Duplication.
Coding change: c.453dup on transcript NM_001291415.2 (MANE Select); coding-DNA position 453, one base duplicated (A; older notation c.453dupA).
Protein change: p.Ala152fs; shifts the reading frame from alanine 152.
Molecular consequence: frameshift variant. On other transcripts: non-coding transcript variant (1), intron variant (1).
Genome position (GRCh38, 1-based): chrX:45,020,619, A duplicated; the last of 3 consecutive A bases (chrX:45,020,617-45,020,619); duplicating any one gives the same sequence. VCF-style (leftmost placement, unchanged base first): chrX-45020616-T-TA. GRCh37 (hg19) VCF-style: chrX-44879861-T-TA.
Other names: c.453dup, p.Ala152fs (NM_001291416.2, NM_001291417.2, NM_001291418.2 and 1 more transcripts); c.-190+9600dup (NM_001291421.2); short protein forms A152fs.
Identifiers: ClinVar variation 161745 (VCV000161745.2), dbSNP rs193920970, ClinGen allele CA174708.